The following continues an entry in ClinVar:

NM_006565.4(CTCF):c.1164C>T (p.Ser388=)

Gene: CTCF. ClinVar aggregate classification (germline): Benign. Benign (3).

Submissions 70 to 92 of 92:

Dr. Peter K. Rogan Lab, Western University
No classification provided (evidence only). Condition: Gastric cancer. Review status: no classification provided. Collection method: in vitro. Allele origin: not applicable. Functional consequence: retained intron. Not counted in ClinVar's aggregate classification.

Dr. Peter K. Rogan Lab, Western University
No classification provided (evidence only). Condition: Gastric cancer. Review status: no classification provided. Collection method: in vitro. Allele origin: not applicable. Functional consequence: retained intron. Not counted in ClinVar's aggregate classification.

Dr. Peter K. Rogan Lab, Western University
No classification provided (evidence only). Condition: Gastric cancer. Review status: no classification provided. Collection method: in vitro. Allele origin: not applicable. Functional consequence: retained intron. Not counted in ClinVar's aggregate classification.

Dr. Peter K. Rogan Lab, Western University
No classification provided (evidence only). Condition: Gastric cancer. Review status: no classification provided. Collection method: in vitro. Allele origin: not applicable. Functional consequence: retained intron. Not counted in ClinVar's aggregate classification.

Dr. Peter K. Rogan Lab, Western University
No classification provided (evidence only). Condition: Gastric cancer. Review status: no classification provided. Collection method: in vitro. Allele origin: not applicable. Functional consequence: retained intron. Not counted in ClinVar's aggregate classification.

Dr. Peter K. Rogan Lab, Western University
No classification provided (evidence only). Condition: Gastric cancer. Review status: no classification provided. Collection method: in vitro. Allele origin: not applicable. Functional consequence: retained intron. Not counted in ClinVar's aggregate classification.

Dr. Peter K. Rogan Lab, Western University
No classification provided (evidence only). Condition: Gastric cancer. Review status: no classification provided. Collection method: in vitro. Allele origin: not applicable. Functional consequence: retained intron. Not counted in ClinVar's aggregate classification.

Dr. Peter K. Rogan Lab, Western University
No classification provided (evidence only). Condition: Gastric cancer. Review status: no classification provided. Collection method: in vitro. Allele origin: not applicable. Functional consequence: retained intron. Not counted in ClinVar's aggregate classification.

Dr. Peter K. Rogan Lab, Western University
No classification provided (evidence only). Condition: Gastric cancer. Review status: no classification provided. Collection method: in vitro. Allele origin: not applicable. Functional consequence: retained intron. Not counted in ClinVar's aggregate classification.

Dr. Peter K. Rogan Lab, Western University
No classification provided (evidence only). Condition: Gastric cancer. Review status: no classification provided. Collection method: in vitro. Allele origin: not applicable. Functional consequence: retained intron. Not counted in ClinVar's aggregate classification.

Dr. Peter K. Rogan Lab, Western University
No classification provided (evidence only). Condition: Gastric cancer. Review status: no classification provided. Collection method: in vitro. Allele origin: not applicable. Functional consequence: retained intron. Not counted in ClinVar's aggregate classification.

Dr. Peter K. Rogan Lab, Western University
No classification provided (evidence only). Condition: Uveal melanoma. Review status: no classification provided. Collection method: in vitro. Allele origin: not applicable. Functional consequence: retained intron. Not counted in ClinVar's aggregate classification.

Dr. Peter K. Rogan Lab, Western University
No classification provided (evidence only). Condition: Uveal melanoma. Review status: no classification provided. Collection method: in vitro. Allele origin: not applicable. Functional consequence: retained intron. Not counted in ClinVar's aggregate classification.

Dr. Peter K. Rogan Lab, Western University
No classification provided (evidence only). Condition: Uveal melanoma. Review status: no classification provided. Collection method: in vitro. Allele origin: not applicable. Functional consequence: retained intron. Not counted in ClinVar's aggregate classification.

Dr. Peter K. Rogan Lab, Western University
No classification provided (evidence only). Condition: Uveal melanoma. Review status: no classification provided. Collection method: in vitro. Allele origin: not applicable. Functional consequence: retained intron. Not counted in ClinVar's aggregate classification.

Dr. Peter K. Rogan Lab, Western University
No classification provided (evidence only). Condition: Malignant tumor of esophagus. Review status: no classification provided. Collection method: in vitro. Allele origin: not applicable. Functional consequence: skipped exon, retained intron. Not counted in ClinVar's aggregate classification.

Dr. Peter K. Rogan Lab, Western University
No classification provided (evidence only). Condition: Malignant tumor of esophagus. Review status: no classification provided. Collection method: in vitro. Allele origin: not applicable. Functional consequence: skipped exon, retained intron. Not counted in ClinVar's aggregate classification.

Dr. Peter K. Rogan Lab, Western University
No classification provided (evidence only). Condition: Malignant tumor of esophagus. Review status: no classification provided. Collection method: in vitro. Allele origin: not applicable. Functional consequence: skipped exon, retained intron. Not counted in ClinVar's aggregate classification.

Dr. Peter K. Rogan Lab, Western University
No classification provided (evidence only). Condition: Malignant tumor of esophagus. Review status: no classification provided. Collection method: in vitro. Allele origin: not applicable. Functional consequence: retained intron. Not counted in ClinVar's aggregate classification.

Dr. Peter K. Rogan Lab, Western University
No classification provided (evidence only). Condition: Malignant tumor of esophagus. Review status: no classification provided. Collection method: in vitro. Allele origin: not applicable. Functional consequence: skipped exon, retained intron. Not counted in ClinVar's aggregate classification.

Dr. Peter K. Rogan Lab, Western University
No classification provided (evidence only). Condition: Malignant tumor of esophagus. Review status: no classification provided. Collection method: in vitro. Allele origin: not applicable. Functional consequence: skipped exon, retained intron. Not counted in ClinVar's aggregate classification.

Dr. Peter K. Rogan Lab, Western University
No classification provided (evidence only). Condition: Malignant tumor of esophagus. Review status: no classification provided. Collection method: in vitro. Allele origin: not applicable. Functional consequence: retained intron. Not counted in ClinVar's aggregate classification.

Genetic Services Laboratory, University of Chicago
Classification: Likely benign for AllHighlyPenetrant. Review status: no assertion criteria provided. Collection method: clinical testing. Allele origin: germline. Inheritance: Autosomal dominant inheritance. Not counted in ClinVar's aggregate classification.
Comment: Likely benign based on allele frequency in 1000 Genomes Project or ESP global frequency and its presence in a patient with a rare or unrelated disease phenotype. NOT Sanger confirmed.